The following is an entry in ClinVar:

NM_004380.3(CREBBP):c.3410C>G (p.Thr1137Ser)

Gene: CREBBP (CREB binding lysine acetyltransferase; minus strand). Cytogenetic location: 16p13.3.
Variant type: single nucleotide variant.
Coding change: c.3410C>G on transcript NM_004380.3 (MANE Select); coding-DNA position 3410, C replaced by G.
Protein change: p.Thr1137Ser; replaces threonine 1137 with serine.
Molecular consequence: missense variant.
Genome position (GRCh38, 1-based): chr16:3,758,008, G>C on the plus strand (C>G on the coding strand, the complement: CREBBP is on the minus strand). VCF-style: chr16-3758008-G-C. GRCh37 (hg19) VCF-style: chr16-3808009-G-C.
Other names: c.3296C>G, p.Thr1099Ser (NM_001079846.1); short protein forms T1137S, T1099S.
Identifiers: ClinVar variation 2898045 (VCV002898045.3), dbSNP rs375416112, ClinGen allele CA394569030.
Genomic context (GRCh38, chr16:3,758,008, plus strand): 5'-ACGTCGTCCACGTACTGCCAGGGCTCTTGGTATTGCCCTGTGTCCAGCTTCCGCTTGATG[G>C]TGGAGAGGTCCATGGGATTCTTTACGATGTCAAAATAGTCCTTAAAAAAAAAAAAATGGT-3'
Protein context (NP_004371.2, residues 1127-1147): DIVKNPMDLS[Thr1137Ser]IKRKLDTGQY

ClinVar aggregate classification (germline): Uncertain significance (1 of 4 stars; one submission).

Conditions:
Rubinstein-Taybi syndrome (RSTS). Identifiers: Orphanet 783, MedGen C0035934, MONDO:0019188.

gnomAD v4.1: 1 of 1,613,334 alleles (0.000062%); highest among the groups gnomAD compares: Non-Finnish European, 0.000085%; no homozygotes.

Submission:

Labcorp Genetics (formerly Invitae), Labcorp
Classification: Uncertain significance for Rubinstein-Taybi syndrome. Last evaluated: 2023-01-10. Review status: criteria provided, single submitter. Criteria: Invitae Variant Classification Sherloc (09022015). Collection method: clinical testing. Allele origin: germline.
Comment: This sequence change replaces threonine, which is neutral and polar, with serine, which is neutral and polar, at codon 1137 of the CREBBP protein (p.Thr1137Ser). In summary, the available evidence is currently insufficient to determine the role of this variant in disease. Therefore, it has been classified as a Variant of Uncertain Significance. Advanced modeling of protein sequence and biophysical properties (such as structural, functional, and spatial information, amino acid conservation, physicochemical variation, residue mobility, and thermodynamic stability) has been performed at Invitae for this missense variant, however the output from this modeling did not meet the statistical confidence thresholds required to predict the impact of this variant on CREBBP protein function. This variant has not been reported in the literature in individuals affected with CREBBP-related conditions. This variant is not present in population databases (gnomAD no frequency).